The following is an entry in ClinVar:

NM_014363.6(SACS):c.6702T>A (p.Phe2234Leu)

Gene: SACS (sacsin molecular chaperone; minus strand). Cytogenetic location: 13q12.12.
Variant type: single nucleotide variant.
Coding change: c.6702T>A on transcript NM_014363.6 (MANE Select); coding-DNA position 6702, T replaced by A.
Protein change: p.Phe2234Leu; replaces phenylalanine 2234 with leucine.
Molecular consequence: missense variant.
Genome position (GRCh38, 1-based): chr13:23,337,174, A>T on the plus strand (T>A on the coding strand, the complement: SACS is on the minus strand). VCF-style: chr13-23337174-A-T. GRCh37 (hg19) VCF-style: chr13-23911313-A-T.
Other names: c.6261T>A, p.Phe2087Leu (NM_001278055.2); short protein forms F2087L, F2234L.
Identifiers: ClinVar variation 994453 (VCV000994453.4), dbSNP rs774487714, ClinGen allele CA6911043.

ClinVar aggregate classification (germline): Uncertain significance. Review status: criteria provided, multiple submitters, no conflicts (2 of 4 stars). 3 submissions from 3 submitters: Uncertain significance (2). 1 of the submissions does not count toward it. Last evaluated 2022-10-15.

Conditions:
Spastic paraplegia. Identifiers: MedGen C0037772, HP:0001258.
Charlevoix-Saguenay spastic ataxia (SACS). Also called: SPASTIC ATAXIA 6, AUTOSOMAL RECESSIVE; AUTOSOMAL RECESSIVE SPASTIC ATAXIA OF CHARLEVOIX-SAGUENAY; Spastic ataxia of Charlevoix-Saguenay. Identifiers: Orphanet 98, MedGen C1849140, MONDO:0010041, OMIM 270550.

Allele frequency attached by ClinVar (database versions not stated): TOPMed 0.00004.
gnomAD v4.1: 62 of 1,613,884 alleles (0.0038%); highest among the groups gnomAD compares: Non-Finnish European, 0.0048%; no homozygotes.

Submissions (3):

Athena Diagnostics
Classification: Uncertain significance. Last evaluated: 2022-10-15. Review status: criteria provided, single submitter. Criteria: Athena Diagnostics Criteria. Collection method: clinical testing. Allele origin: unknown.
Comment: Available data are insufficient to determine the clinical significance of the variant at this time. The frequency of this variant in the general population is uninformative in assessment of its pathogenicity. Computational tools disagree on the variant's effect on normal protein function.

Labcorp Genetics (formerly Invitae), Labcorp
Classification: Uncertain significance for Spastic paraplegia. Last evaluated: 2022-05-21. Review status: criteria provided, single submitter. Criteria: Invitae Variant Classification Sherloc (09022015). Collection method: clinical testing. Allele origin: germline.
Comment: This sequence change replaces phenylalanine, which is neutral and non-polar, with leucine, which is neutral and non-polar, at codon 2234 of the SACS protein (p.Phe2234Leu). This variant is present in population databases (rs774487714, gnomAD 0.002%). This variant has not been reported in the literature in individuals affected with SACS-related conditions. ClinVar contains an entry for this variant (Variation ID: 994453). Advanced modeling of protein sequence and biophysical properties (such as structural, functional, and spatial information, amino acid conservation, physicochemical variation, residue mobility, and thermodynamic stability) performed at Invitae indicates that this missense variant is not expected to disrupt SACS protein function. In summary, the available evidence is currently insufficient to determine the role of this variant in disease. Therefore, it has been classified as a Variant of Uncertain Significance.

Natera, Inc.
Classification: Uncertain significance for Charlevoix-Saguenay type spastic ataxia. Last evaluated: 2020-11-19. Review status: no assertion criteria provided. Collection method: clinical testing. Allele origin: germline. Not counted in ClinVar's aggregate classification.